The following continues an entry in ClinVar:

NM_007294.4(BRCA1):c.3485del (p.Asp1162fs)

ClinVar aggregate classification (germline): Pathogenic. Pathogenic (1).

Submissions 11 to 27 of 27:

Quest Diagnostics Nichols Institute San Juan Capistrano
Classification: Pathogenic. Last evaluated: 2022-01-24. Review status: criteria provided, single submitter. Criteria: Quest Diagnostics criteria. Collection method: clinical testing. Allele origin: unknown. Not counted in ClinVar's aggregate classification.
Comment: This frameshift variant alters the translational reading frame of the BRCA1 mRNA and causes the premature termination of BRCA1 protein synthesis. This variant has not been reported in large, multi-ethnic general populations. In the published literature, the variant has been reported in individuals with a personal or family history of breast and/or ovarian cancer (PMIDs: 28324225 (2017), 26681312 (2015), 25452441 (2015), 23192404 (2013), 9150151 (1997)). Based on the available information, this variant is classified as pathogenic.

ARUP Laboratories, Molecular Genetics and Genomics, ARUP Laboratories
Classification: Pathogenic. Last evaluated: 2021-08-28. Review status: criteria provided, single submitter. Criteria: ARUP Molecular Germline Variant Investigation Process 2021. Collection method: clinical testing. Allele origin: germline. Not counted in ClinVar's aggregate classification.
Comment: The BRCA1 c.3485delA; p.Asp1162ValfsTer48 variant (rs803575090), also published as 3604delA, is reported in the literature in several individuals and families with hereditary breast and ovarian cancer (Carter 2018, Couch 2015, Meisel 2017, Susswein 2016). The variant is reported in the ClinVar database (Variation ID: 37531) and is only observed on one allele in the Genome Aggregation Database, indicating it is not a common polymorphism. This variant causes a frameshift by deleting a single nucleotide, so it is predicted to result in a truncated protein or mRNA subject to nonsense-mediated decay. Based on available information, this variant is considered to be pathogenic. References: Carter NJ et al. Germline pathogenic variants identified in women with ovarian tumors. Gynecol Oncol. 2018 Dec;151(3):481-488. PMID: 30322717. Couch FJ et al. Inherited mutations in 17 breast cancer susceptibility genes among a large triple-negative breast cancer cohort unselected for family history of breast cancer. J Clin Oncol. 2015 Feb 1;33(4):304-11. PMID: 25452441. Meisel C et al. Spectrum of genetic variants of BRCA1 and BRCA2 in a German single center study. Arch Gynecol Obstet. 2017 May;295(5):1227-1238. PMID: 28324225. Susswein LR et al. Pathogenic and likely pathogenic variant prevalence among the first 10,000 patients referred for next-generation cancer panel testing. Genet Med. 2016 Aug;18(8):823-32. PMID: 26681312.

Women's Health and Genetics/Laboratory Corporation of America, LabCorp
Classification: Pathogenic for Hereditary breast ovarian cancer syndrome. Last evaluated: 2021-08-06. Review status: criteria provided, single submitter. Criteria: LabCorp Variant Classification Summary - May 2015. Collection method: clinical testing. Allele origin: germline. Not counted in ClinVar's aggregate classification.
Comment: Variant summary: BRCA1 c.3485delA (p.Asp1162ValfsX48) results in a premature termination codon, predicted to cause a truncation of the encoded protein or absence of the protein due to nonsense mediated decay, which are commonly known mechanisms for disease. Truncations downstream of this position have been classified as pathogenic by our laboratory. The variant allele was found at a frequency of 4e-06 in 251278 control chromosomes. c.3485delA has been reported in the literature in multiple individuals affected with Hereditary Breast And Ovarian Cancer Syndrome (e.g. Vehmanen_1997, Peelen_1997, Judkins_2005, Rummel_2013). These data indicate that the variant is very likely to be associated with disease. Twelve clinical diagnostic laboratories have submitted clinical-significance assessments for this variant to ClinVar after 2014 without evidence for independent evaluation. All laboratories classified the variant as pathogenic. Based on the evidence outlined above, the variant was classified as pathogenic.

Baylor Genetics
Classification: Pathogenic for Breast-ovarian cancer, familial, susceptibility to, 1. Last evaluated: 2021-06-04. Review status: criteria provided, single submitter. Criteria: ACMG Guidelines, 2015. Collection method: clinical testing. Allele origin: unknown. Not counted in ClinVar's aggregate classification.

Institute of Medical Genetics and Applied Genomics, University Hospital Tübingen
Classification: Pathogenic. Last evaluated: 2020-10-23. Review status: criteria provided, single submitter. Criteria: ACMG Guidelines, 2015. Collection method: clinical testing. Allele origin: germline. Inheritance: Unknown mechanism. Affected: yes. Not counted in ClinVar's aggregate classification.

Laboratory for Molecular Medicine, Mass General Brigham Personalized Medicine
Classification: Pathogenic for Hereditary breast ovarian cancer syndrome. Last evaluated: 2017-01-27. Review status: criteria provided, single submitter. Criteria: LMM Criteria. Collection method: clinical testing. Allele origin: germline. Inheritance: Autosomal dominant inheritance. Observed: 1 variant allele. Not counted in ClinVar's aggregate classification.
Comment: The p.Asp1162fs variant in BRCA1 has been reported in >30 individuals with BRCA1 -associated cancers (Peelen 1997, Breast Cancer Information Core (BIC) database) and was absent from large population studies. This variant is predicted to caus e a frameshift, which alters the protein?s amino acid sequence beginning at posi tion 1162 and leads to a premature termination codon 48 amino acids downstream. This alteration is then predicted to lead to a truncated or absent protein. Hete rozygous loss of function of function of the BRCA1 gene is an established diseas e mechanism in hereditary breast and ovarian cancer (HBOC). In addition, this va riant was classified as Pathogenic on September 8, 2016 by the ClinGen-approved ENIGMA expert panel (ClinVar SCV000299952.2). In summary, the p.Asp1162fs varian t meets criteria to be classified as pathogenic for HBOC in an autosomal dominan t manner.

Consortium of Investigators of Modifiers of BRCA1/2 (CIMBA), c/o University of Cambridge
Classification: Pathogenic for Breast-ovarian cancer, familial, susceptibility to, 1. Last evaluated: 2015-10-02. Review status: criteria provided, single submitter. Criteria: CIMBA Mutation Classification guidelines May 2016. Collection method: clinical testing. Allele origin: germline. Not counted in ClinVar's aggregate classification.

Clinical Genetics DNA and cytogenetics Diagnostics Lab, Erasmus MC, Erasmus Medical Center
Classification: Pathogenic for Breast-ovarian cancer, familial, susceptibility to, 1. Last evaluated: 2015-09-21. Review status: criteria provided, single submitter. Criteria: ACGS Guidelines, 2013. Collection method: clinical testing. Allele origin: germline. Affected: yes. Study: VKGL Data-share Consensus. Not counted in ClinVar's aggregate classification.

Center of Medical Genetics and Primary Health Care
Classification: Pathogenic for Breast-ovarian cancer, familial 1. Last evaluated: 2020-04-08. Review status: no assertion criteria provided. Collection method: research. Allele origin: germline. Affected: yes. Observed: 1 heterozygote. Not counted in ClinVar's aggregate classification.
Comment: ACMG Guidelines 2015 criteria The BRCA1 p.Asp1162Valfs variant is a known pathogenic variant also in exon 11 in a non-functional domain just before the BRSTCANCERI domain (S1180-1200Q aa) (PMID: 10198641) and in a mutational hotspot with 34 pathogenic variants (PM1 Pathogenic Moderate). The deletion causes a frameshift, which changes an Aspartic Acid to a Valine at codon 1162, and creates a premature stop codon at position 48 of the new reading frame. This variant is predicted to cause loss of normal protein function through either protein truncation or nonsense-mediated mRNA decay which is an established disease mechanism in hereditary breast and ovarian cancer (PVS1 Pathogenic Very Strong). The allele frequency in GnomAD exomes is 0.00000398 which is less the threshold 0.0001 for recessive gene BRCA1, and the variant is not found in GnomAD genomes (PM2 Pathogenic Moderate). The variant has been classified as pathogenic by the ClinGen-approved ENIGMA expert panel (ClinVar SCV000299952.2) (PP5 Pathogenic Supporting). 1 pathogenic prediction from GERP versus no benign prediction supports its deleterious effect (PP3 Pathogenic Supporting). Therefore, this variant was classified as a Pathogenic.

BRCAlab, Lund University
Classification: Pathogenic for Breast-ovarian cancer, familial, susceptibility to, 1. Last evaluated: 2020-03-02. Review status: no assertion criteria provided. Collection method: clinical testing. Allele origin: germline. Affected: yes. Not counted in ClinVar's aggregate classification.

Curoverse
Classification: Pathogenic for BRCA1 and BRCA2 Hereditary Breast and Ovarian Cancer. Last evaluated: 2015-08-01. Review status: no assertion criteria provided. Collection method: research. Allele origin: germline. Affected: no. Observed: 1 variant allele. Not counted in ClinVar's aggregate classification.
Comment: Frameshifts in BRCA1 are considered pathogenic, and this is a BRCA1 Asp1162Val frameshift variant in exon 10

Sharing Clinical Reports Project (SCRP)
Classification: Pathogenic for Breast-ovarian cancer, familial 1. Last evaluated: 2014-04-16. Review status: no assertion criteria provided. Collection method: clinical testing. Allele origin: germline. Not counted in ClinVar's aggregate classification.

Research Molecular Genetics Laboratory, Women's College Hospital, University of Toronto
Classification: Pathogenic for Hereditary breast ovarian cancer syndrome. Last evaluated: 2014-01-31. Review status: no assertion criteria provided. Collection method: research. Allele origin: germline. Affected: yes. Study: The Canadian Open Genetics Repository (COGR). Not counted in ClinVar's aggregate classification.

Breast Cancer Information Core (BIC) (BRCA1)
Classification: Pathogenic for Breast-ovarian cancer, familial 1. Last evaluated: 2002-05-29. Review status: no assertion criteria provided. Collection method: clinical testing. Allele origin: germline. Affected: yes. Observed: 37 variant alleles. Not counted in ClinVar's aggregate classification.

Bioscientia Institut fuer Medizinische Diagnostik GmbH, Sonic Healthcare
Classification: Pathogenic for Familial cancer of breast. Review status: no assertion criteria provided. Collection method: clinical testing. Allele origin: germline. Affected: yes. Not counted in ClinVar's aggregate classification.

Clinical Genetics Laboratory, Department of Pathology, Netherlands Cancer Institute
Classification: Pathogenic. Review status: no assertion criteria provided. Collection method: clinical testing. Allele origin: germline. Affected: yes. Study: VKGL Data-share Consensus. Not counted in ClinVar's aggregate classification.

Diagnostic Laboratory, Department of Genetics, University Medical Center Groningen
Classification: Pathogenic for Breast-ovarian cancer, familial, susceptibility to, 1. Review status: no assertion criteria provided. Collection method: clinical testing. Allele origin: germline. Affected: yes. Study: VKGL Data-share Consensus. Not counted in ClinVar's aggregate classification.

Literature cited by the submitters: PubMed 20104584 (cited by Labcorp Genetics (formerly Invitae), Labcorp); PubMed 9150151 (cited by 6 submitters); PubMed 16683254 (cited by 3 submitters); PubMed 24010542 (cited by Labcorp Genetics (formerly Invitae), Labcorp); PubMed 25452441 (cited by 4 submitters); PubMed 26681312 (cited by 4 submitters); PubMed 9361038 (cited by 3 submitters); PubMed 9667259 (cited by Color Diagnostics, LLC DBA Color Health and Ambry Genetics); PubMed 10995809 (cited by Color Diagnostics, LLC DBA Color Health); PubMed 24285858 (cited by Color Diagnostics, LLC DBA Color Health); PubMed 28324225 (cited by 3 submitters); PubMed 29446198 (cited by Color Diagnostics, LLC DBA Color Health); PubMed 30322717 (cited by Color Diagnostics, LLC DBA Color Health and Ambry Genetics); PubMed 30927251 (cited by Color Diagnostics, LLC DBA Color Health and Ambry Genetics); PubMed 31853058 (cited by Color Diagnostics, LLC DBA Color Health); PubMed 33471991 (cited by Color Diagnostics, LLC DBA Color Health and Ambry Genetics); PubMed 10188893 (cited by Ambry Genetics); PubMed 11436123 (cited by Ambry Genetics); PubMed 11597388 (cited by Ambry Genetics); PubMed 11802209 (cited by Ambry Genetics); PubMed 15955690 (cited by Ambry Genetics); PubMed 23192404 (cited by 3 submitters); PubMed 33558524 (cited by Ambry Genetics); PubMed 23199084 (cited by Quest Diagnostics Nichols Institute San Juan Capistrano); PubMed 11039575 (cited by Quest Diagnostics Nichols Institute San Juan Capistrano and Women's Health and Genetics/Laboratory Corporation of America, LabCorp); PubMed 16267036 (cited by Women's Health and Genetics/Laboratory Corporation of America, LabCorp); PMC 3583621 (cited by Curoverse); DOI 10.1001/jama.2011.678 (cited by Curoverse).